The following is an entry in ClinVar:

NM_001356.5(DDX3X):c.1325C>G (p.Ser442Ter)

Gene: DDX3X (DEAD-box helicase 3 X-linked; plus strand). Cytogenetic location: Xp11.4.
Variant type: single nucleotide variant.
Coding change: c.1325C>G on transcript NM_001356.5 (MANE Select); coding-DNA position 1325, C replaced by G.
Protein change: p.Ser442Ter; replaces serine 442 with a stop codon.
Molecular consequence: nonsense. On other transcripts: non-coding transcript variant (1).
Genome position (GRCh38, 1-based): chrX:41,346,238, C>G. VCF-style: chrX-41346238-C-G. GRCh37 (hg19) VCF-style: chrX-41205491-C-G.
Other names: c.1325C>G, p.Ser442Ter (NM_001193416.3); c.1277C>G, p.Ser426Ter (NM_001193417.3); c.767C>G, p.Ser256Ter (NM_001363819.1); short protein forms S256*, S426*, S442*.
Identifiers: ClinVar variation 3373446 (VCV003373446.1).

ClinVar aggregate classification (germline): Pathogenic (1 of 4 stars; one submission).

Submission:

GeneDx
Classification: Pathogenic. Last evaluated: 2024-02-28. Review status: criteria provided, single submitter. Criteria: GeneDx Variant Classification Process June 2021. Collection method: clinical testing. Allele origin: germline. Affected: yes.
Comment: Nonsense variant predicted to result in protein truncation or nonsense mediated decay in a gene for which loss of function is a known mechanism of disease; Not observed at significant frequency in large population cohorts (gnomAD); Has not been previously published as pathogenic or benign to our knowledge